The following is an entry in ClinVar:

ClinVar aggregate classification (germline): Uncertain significance (1 of 4 stars; one submission).

Allele frequency attached by ClinVar (database versions not stated): gnomAD exomes below 0.00001.
gnomAD v4.1: 2 of 1,611,506 alleles (0.00012%); highest among the groups gnomAD compares: Non-Finnish European, 0.00017%; no homozygotes.

Submission:

Labcorp Genetics (formerly Invitae), Labcorp
Classification: Uncertain significance. Last evaluated: 2022-11-01. Review status: criteria provided, single submitter. Criteria: Invitae Variant Classification Sherloc (09022015). Collection method: clinical testing. Allele origin: germline.
Comment: This sequence change replaces glycine, which is neutral and non-polar, with glutamic acid, which is acidic and polar, at codon 871 of the ADGRV1 protein (p.Gly871Glu). This variant is not present in population databases (gnomAD no frequency). This variant has not been reported in the literature in individuals affected with ADGRV1-related conditions. Advanced modeling of protein sequence and biophysical properties (such as structural, functional, and spatial information, amino acid conservation, physicochemical variation, residue mobility, and thermodynamic stability) performed at Invitae indicates that this missense variant is not expected to disrupt ADGRV1 protein function. In summary, the available evidence is currently insufficient to determine the role of this variant in disease. Therefore, it has been classified as a Variant of Uncertain Significance.

NM_032119.4(ADGRV1):c.2612G>A (p.Gly871Glu)

Gene: ADGRV1 (adhesion G protein-coupled receptor V1; plus strand). Cytogenetic location: 5q14.3.
Variant type: single nucleotide variant.
Coding change: c.2612G>A on transcript NM_032119.4 (MANE Select); coding-DNA position 2612, G replaced by A.
Protein change: p.Gly871Glu; replaces glycine 871 with glutamic acid.
Molecular consequence: missense variant. On other transcripts: non-coding transcript variant (1).
Genome position (GRCh38, 1-based): chr5:90,643,861, G>A. VCF-style: chr5-90643861-G-A. GRCh37 (hg19) VCF-style: chr5-89939678-G-A.
Other names: short protein forms G871E.
Identifiers: ClinVar variation 1997230 (VCV001997230.4), dbSNP rs767494931, ClinGen allele CA121834746.